The following is an entry in ClinVar:

NM_004006.3(DMD):c.9311C>A (p.Ser3104Ter)

Gene: DMD (dystrophin; minus strand). Cytogenetic location: Xp21.2.
Variant type: single nucleotide variant.
Coding change: c.9311C>A on transcript NM_004006.3 (MANE Select); coding-DNA position 9311, C replaced by A.
Protein change: p.Ser3104Ter; replaces serine 3104 with a stop codon.
Molecular consequence: nonsense.
Genome position (GRCh38, 1-based): chrX:31,223,097, G>T on the plus strand (C>A on the coding strand, the complement: DMD is on the minus strand). VCF-style: chrX-31223097-G-T. GRCh37 (hg19) VCF-style: chrX-31241214-G-T.
Other names: c.9287C>A, p.Ser3096Ter (NM_000109.4); c.9299C>A, p.Ser3100Ter (NM_004009.3); c.8942C>A, p.Ser2981Ter (NM_004010.3); c.5288C>A, p.Ser1763Ter (NM_004011.4); c.5279C>A, p.Ser1760Ter (NM_004012.4); c.1931C>A, p.Ser644Ter (NM_004013.3, NM_004020.4, NM_004021.3 and 2 more transcripts); c.1124C>A, p.Ser375Ter (NM_004014.3); c.107C>A, p.Ser36Ter (NM_004015.3, NM_004016.3, NM_004017.3 and 2 more transcripts); short protein forms S1763*, S3096*, S1760*, S2981*, S3100*, S36*, S375*, S644*.
Identifiers: ClinVar variation 1424825 (VCV001424825.9), dbSNP rs2147071577, ClinGen allele CA412650945.

ClinVar aggregate classification (germline): Pathogenic/Likely pathogenic. Review status: criteria provided, multiple submitters, no conflicts (2 of 4 stars). 2 submissions from 2 submitters: Pathogenic (1); Likely pathogenic (1). Last evaluated 2021-12-30.

Conditions:
Progressive muscular dystrophy. Identifiers: Orphanet 206644, MedGen C4551827, MONDO:0016106.
Duchenne muscular dystrophy (DMD). Also called: MUSCULAR DYSTROPHY, PSEUDOHYPERTROPHIC PROGRESSIVE, DUCHENNE TYPE; Duchenne Muscular Dystrophy (DMD). Identifiers: Orphanet 98896, MedGen C0013264, MONDO:0010679, OMIM 310200.

Submissions (2):

Myriad Genetics, Inc.
Classification: Likely pathogenic for Progressive muscular dystrophy. Last evaluated: 2021-12-30. Review status: criteria provided, single submitter. Criteria: Myriad Autosomal Dominant, Autosomal Recessive and X-Linked Classification Criteria (2023). Collection method: clinical testing. Allele origin: unknown.
Comment: NM_004006.2(DMD):c.9311C>A(S3104*) is expected to be pathogenic in the context of dystrophinopathy (including Duchenne/Becker muscular dystrophy). This variant is predicted to lead to an abnormal or absent protein product due to the creation of a premature termination codon in DMD, a gene where loss-of-function variants are known to be pathogenic. Please note: this variant was assessed in the context of healthy population screening.

Labcorp Genetics (formerly Invitae), Labcorp
Classification: Pathogenic for Duchenne muscular dystrophy. Last evaluated: 2021-04-04. Review status: criteria provided, single submitter. Criteria: Invitae Variant Classification Sherloc (09022015). Collection method: clinical testing. Allele origin: germline.
Comment: This variant is not present in population databases (ExAC no frequency). This sequence change creates a premature translational stop signal (p.Ser3104*) in the DMD gene. It is expected to result in an absent or disrupted protein product. Loss-of-function variants in DMD are known to be pathogenic (PMID: 16770791, 25007885). For these reasons, this variant has been classified as Pathogenic. This variant has not been reported in the literature in individuals with DMD-related conditions.

Literature cited by the submitters: PubMed 16770791 (cited by Labcorp Genetics (formerly Invitae), Labcorp); PubMed 25007885 (cited by Labcorp Genetics (formerly Invitae), Labcorp).